The following is an entry in ClinVar:

ClinVar aggregate classification (germline): Uncertain significance (1 of 4 stars; one submission).

Allele frequency attached by ClinVar (database versions not stated): gnomAD exomes below 0.00001; TOPMed below 0.00001.
gnomAD v4.1: 1 of 1,337,884 alleles (0.000075%); highest among the groups gnomAD compares: Non-Finnish European, 0.000095%; no homozygotes.

Submission:

Labcorp Genetics (formerly Invitae), Labcorp
Classification: Uncertain significance. Last evaluated: 2023-11-06. Review status: criteria provided, single submitter. Criteria: Invitae Variant Classification Sherloc (09022015). Collection method: clinical testing. Allele origin: germline.
Comment: This sequence change replaces arginine, which is basic and polar, with cysteine, which is neutral and slightly polar, at codon 129 of the GRM6 protein (p.Arg129Cys). This variant is not present in population databases (gnomAD no frequency). This variant has not been reported in the literature in individuals affected with GRM6-related conditions. ClinVar contains an entry for this variant (Variation ID: 2053890). Advanced modeling of protein sequence and biophysical properties (such as structural, functional, and spatial information, amino acid conservation, physicochemical variation, residue mobility, and thermodynamic stability) performed at Invitae indicates that this missense variant is not expected to disrupt GRM6 protein function with a negative predictive value of 80%. In summary, the available evidence is currently insufficient to determine the role of this variant in disease. Therefore, it has been classified as a Variant of Uncertain Significance.

NM_000843.4(GRM6):c.385C>T (p.Arg129Cys)

Gene: GRM6 (glutamate metabotropic receptor 6; minus strand). Cytogenetic location: 5q35.3.
Variant type: single nucleotide variant.
Coding change: c.385C>T on transcript NM_000843.4 (MANE Select); coding-DNA position 385, C replaced by T.
Protein change: p.Arg129Cys; replaces arginine 129 with cysteine.
Molecular consequence: missense variant.
Genome position (GRCh38, 1-based): chr5:178,994,560, G>A on the plus strand (C>T on the coding strand, the complement: GRM6 is on the minus strand). VCF-style: chr5-178994560-G-A. GRCh37 (hg19) VCF-style: chr5-178421561-G-A.
Other names: short protein forms R129C.
Identifiers: ClinVar variation 2053890 (VCV002053890.4), dbSNP rs1282421382, ClinGen allele CA362435984.
Genomic context (GRCh38, chr5:178,994,560, plus strand): 5'-CGACGGCCACGACGCGCTCGGGGGGCGCGGGGCGCAGCGGAGGGACGCCTCCCGGGCAGC[G>A]CACGCCCACCTCGTCGCCGTCGCCGCGGCCGCGGATCAGCGCCTGCACGAAGCTCAGCGC-3'
Protein context (NP_000834.2, residues 119-139): GRGDGDEVGV[Arg129Cys]CPGGVPPLRP